The following is an entry in ClinVar:

ClinVar aggregate classification (germline): Pathogenic/Likely pathogenic. Review status: criteria provided, multiple submitters, no conflicts (2 of 4 stars). 5 submissions from 5 submitters: Pathogenic (3); Likely pathogenic (2). Last evaluated 2025-07-23.

Conditions:
Inborn genetic diseases. Identifiers: MedGen C0950123, MeSH D030342.
Congenital anomalies of kidney and urinary tract syndrome with or without hearing loss, abnormal ears, or developmental delay. Also called: Congenital Anomalies of the Kidney and Urinary Tract syndrome with or without Hearing Loss, Abnormal Ears, or Developmental Delay. Identifiers: Orphanet 656130, MedGen C4539968, MONDO:0060549, OMIM 617641.
PBX1-related disorder. Also called: PBX1-related condition.

Submissions (5):

Variantyx, Inc.
Classification: Likely pathogenic for Congenital anomalies of kidney and urinary tract syndrome with or without hearing loss, abnormal ears, or developmental delay. Last evaluated: 2025-07-23. Review status: criteria provided, single submitter. Criteria: Variantyx Assertion Criteria 2022. Collection method: clinical testing. Allele origin: de novo. Inheritance: Autosomal dominant inheritance. Affected: yes.
Comment: This is a nonsynonymous variant in the PBX1 gene (OMIM: 176310). Pathogenic variants in this gene have been associated with autosomal dominant congenital anomalies of the kidney and urinary tract syndrome with or without hearing loss, abnormal ears, or developmental delay. Multiple computational algorithms predict a deleterious effect for this variant (REVEL score: 0.867) (PP3). This variant is absent from control populations (PM2). Based on the current evidence, this variant is classified as likely pathogenic for autosomal dominant congenital anomalies of the kidney and urinary tract syndrome with or without hearing loss, abnormal ears, or developmental delay.

Ambry Genetics
Classification: Pathogenic for Inborn genetic diseases. Last evaluated: 2025-05-28. Review status: criteria provided, single submitter. Criteria: Ambry Variant Classification Scheme 2023. Collection method: clinical testing. Allele origin: germline.
Comment: The c.868C>T (p.R290W) alteration is located in exon 6 (coding exon 6) of the PBX1 gene. This alteration results from a C to T substitution at nucleotide position 868, causing the arginine (R) at amino acid position 290 to be replaced by a tryptophan (W). This variant was not reported in population-based cohorts in the Genome Aggregation Database (gnomAD). This variant was determined to be de novo in at least one individual with features consistent with congenital anomalies of kidney and urinary tract syndrome with or without hearing loss, abnormal ears, or developmental delay (Ruscitti, 2022). This amino acid position is highly conserved in available vertebrate species. This missense alteration is located in a region that has a low rate of benign missense variation (Lek, 2016; Firth, 2009). This alteration is predicted to be deleterious by in silico analysis. Based on the available evidence, this alteration is classified as pathogenic.

Blueprint Genetics
Classification: Pathogenic for PBX1-related disorders. Last evaluated: 2023-11-13. Review status: criteria provided, single submitter. Criteria: ACMG Guidelines, 2015. Collection method: clinical testing. Allele origin: de novo. Affected: yes. Observed: 3 variant alleles.

GeneDx
Classification: Pathogenic. Last evaluated: 2021-07-23. Review status: criteria provided, single submitter. Criteria: GeneDx Variant Classification Process June 2021. Collection method: clinical testing. Allele origin: germline. Affected: yes.
Comment: Not observed at significant frequency in large population cohorts (Lek et al., 2016); In silico analysis supports that this missense variant has a deleterious effect on protein structure/function; Has not been previously reported as a pathogenic or benign germline variant to our knowledge; This variant is associated with the following publications: (PMID: 28322463, 27390177)

Juno Genomics, Hangzhou Juno Genomics, Inc
Classification: Likely pathogenic for Congenital anomalies of kidney and urinary tract syndrome with or without hearing loss, abnormal ears, or developmental delay. Review status: criteria provided, single submitter. Criteria: ACMG Guidelines, 2015. Collection method: clinical testing. Allele origin: germline. Affected: yes.
Comment: Absent from controls (or at extremely low frequency if recessive) in Genome Aggregation Database, Exome Sequencing Project, 1000 Genomes Project, or Exome Aggregation Consortium.;Multiple lines of computational evidence support a deleterious effect on the gene or gene product (conservation, evolutionary, splicing impact, etc).;Missense variant in a gene that has a low rate of benign missense variation and where missense variants are a common mechanism of disease.;De novo (both maternity and paternity confirmed) in a patient with the disease and no family history.;The prevalence of the variant in affected individuals is significantly increased compared to the prevalence in controls.

Literature cited by the submitters: PubMed 35751431 (cited by Variantyx, Inc. and Ambry Genetics).

NM_002585.4(PBX1):c.868C>T (p.Arg290Trp)

Gene: PBX1 (PBX homeobox 1; plus strand). Cytogenetic location: 1q23.3.
Variant type: single nucleotide variant.
Coding change: c.868C>T on transcript NM_002585.4 (MANE Select); coding-DNA position 868, C replaced by T.
Protein change: p.Arg290Trp; replaces arginine 290 with tryptophan.
Molecular consequence: missense variant.
Genome position (GRCh38, 1-based): chr1:164,812,020, C>T. VCF-style: chr1-164812020-C-T. GRCh37 (hg19) VCF-style: chr1-164781257-C-T.
Other names: c.868C>T, p.Arg290Trp (NM_001204961.2, NM_001204963.2, NM_001353131.2); c.619C>T, p.Arg207Trp (NM_001353130.1); short protein forms R207W, R290W.
Identifiers: ClinVar variation 1254734 (VCV001254734.6), dbSNP rs2102345684, ClinGen allele CA343471541.